The following is an entry in ClinVar:

ClinVar aggregate classification (germline): Likely benign. Review status: criteria provided, multiple submitters, no conflicts (2 of 4 stars). 3 submissions from 3 submitters: Likely benign (3). Last evaluated 2026-09-21.

Conditions:
Ehlers-Danlos syndrome, classic type, 1 (EDSCL1). Also called: EHLERS-DANLOS SYNDROME, GRAVIS TYPE; EHLERS-DANLOS SYNDROME, SEVERE CLASSIC TYPE; Ehlers-Danlos Syndrome, Classic Type, COL5A1-Related; Ehlers-Danlos syndrome, type 1; EDS I. Identifiers: MedGen C0268335, MONDO:0019567, OMIM 130000.
Familial thoracic aortic aneurysm and aortic dissection (TAAD). Also called: Thoracic aortic aneurysms and dissections. Identifiers: Orphanet 91387, MedGen C4707243, MONDO:0019625.

Allele frequency attached by ClinVar (database versions not stated): ExAC 0.00002; gnomAD exomes 0.00001.

Submissions (3):

Molecular Diagnostic Laboratory for Inherited Cardiovascular Disease, Montreal Heart Institute
Classification: Likely benign. Last evaluated: 2026-09-21. Review status: criteria provided, single submitter. Criteria: ACMG Guidelines, 2015. Collection method: clinical testing. Allele origin: germline. Affected: no.
Comment: BP7

Ambry Genetics
Classification: Likely benign for Familial thoracic aortic aneurysm and aortic dissection. Last evaluated: 2025-02-22. Review status: criteria provided, single submitter. Criteria: Ambry Variant Classification Scheme 2023. Collection method: clinical testing. Allele origin: germline.

Labcorp Genetics (formerly Invitae), Labcorp
Classification: Likely benign for Ehlers-Danlos syndrome, classic type, 1. Last evaluated: 2022-12-06. Review status: criteria provided, single submitter. Criteria: Invitae Variant Classification Sherloc (09022015). Collection method: clinical testing. Allele origin: germline.

NM_000093.5(COL5A1):c.5451C>T (p.Phe1817=)

Genes: COL5A1 (collagen type V alpha 1 chain; plus strand), LOC101448202 (uncharacterized LOC101448202; minus strand). Cytogenetic location: 9q34.3.
Variant type: single nucleotide variant.
Coding change: c.5451C>T on transcript NM_000093.5 (MANE Select); coding-DNA position 5451, C replaced by T.
Protein change: p.Phe1817=; no amino-acid change (phenylalanine 1817 retained).
Molecular consequence: synonymous variant.
Genome position (GRCh38, 1-based): chr9:134,842,237, C>T. VCF-style: chr9-134842237-C-T. GRCh37 (hg19) VCF-style: chr9-137734083-C-T.
Other names: c.5451C>T, p.Phe1817= (NM_001278074.1); c.5451C>T (NM_000093.3).
Identifiers: ClinVar variation 759331 (VCV000759331.14), dbSNP rs748940142, ClinGen allele CA5320751.